The following is an entry in ClinVar:

ClinVar aggregate classification (germline): Uncertain significance (1 of 4 stars; one submission).

Allele frequency attached by ClinVar (database versions not stated): TOPMed 0.00003; gnomAD exomes 0.00015; gnomAD 0.00002.
gnomAD v4.1: 83 of 639,906 alleles (0.013%); highest among the groups gnomAD compares: Non-Finnish European, 0.018%; no homozygotes.

Submission:

Labcorp Genetics (formerly Invitae), Labcorp
Classification: Uncertain significance. Last evaluated: 2026-01-30. Review status: criteria provided, single submitter. Criteria: Invitae Variant Classification Sherloc (09022015). Collection method: clinical testing. Allele origin: germline.
Comment: This sequence change falls in intron 2 of the CFP gene. It does not directly change the encoded amino acid sequence of the CFP protein. It affects a nucleotide within the consensus splice site. This variant is not present in population databases (gnomAD no frequency). This variant has not been reported in the literature in individuals affected with CFP-related conditions. ClinVar contains an entry for this variant (Variation ID: 2900801). Variants that disrupt the consensus splice site are a relatively common cause of aberrant splicing (PMID: 17576681, 9536098). Algorithms developed to predict the effect of sequence changes on RNA splicing suggest that this variant is not likely to affect RNA splicing. In summary, the available evidence is currently insufficient to determine the role of this variant in disease. Therefore, it has been classified as a Variant of Uncertain Significance.

Literature cited by the submitters: PubMed 17576681; PubMed 9536098.

NM_001145252.3(CFP):c.77-3C>T

Gene: CFP (complement factor properdin; minus strand). Cytogenetic location: Xp11.23.
Variant type: single nucleotide variant.
Coding change: c.77-3C>T on transcript NM_001145252.3 (MANE Select); 3 bases into the intron before coding-DNA position 77, C replaced by T.
Molecular consequence: intron variant.
Genome position (GRCh38, 1-based): chrX:47,629,677, G>A on the plus strand (C>T on the coding strand, the complement: CFP is on the minus strand). VCF-style: chrX-47629677-G-A. GRCh37 (hg19) VCF-style: chrX-47489076-G-A.
Other names: c.77-3C>T (NM_002621.2).
Identifiers: ClinVar variation 2900801 (VCV002900801.3), dbSNP rs918926806, ClinGen allele CA329072404.